The following is an entry in ClinVar:

ClinVar aggregate classification (germline): Pathogenic. Review status: criteria provided, single submitter (1 of 4 stars). 2 submissions from 2 submitters: Pathogenic (1). 1 of the submissions does not count toward it. Last evaluated 2022-04-18.

Conditions:
Early-infantile DEE. Also called: Ohtahara syndrome; Early infantile epileptic encephalopathy; Early infantile epileptic encephalopathy with suppression bursts. Identifiers: Orphanet 1934, MedGen C0393706, MONDO:0800491.
Seizure. Also called: Seizures. Identifiers: MedGen C0036572, HP:0001250.

Submissions (2):

Labcorp Genetics (formerly Invitae), Labcorp
Classification: Pathogenic for Early-infantile DEE. Last evaluated: 2022-04-18. Review status: criteria provided, single submitter. Criteria: Invitae Variant Classification Sherloc (09022015). Collection method: clinical testing. Allele origin: germline.
Comment: This sequence change replaces isoleucine, which is neutral and non-polar, with threonine, which is neutral and polar, at codon 209 of the KCNQ2 protein (p.Ile209Thr). This variant is not present in population databases (gnomAD no frequency). This missense change has been observed in individual(s) with clinical features of KCNQ2-related conditions (Invitae). In at least one individual the variant was observed to be de novo. ClinVar contains an entry for this variant (Variation ID: 812512). Advanced modeling of protein sequence and biophysical properties (such as structural, functional, and spatial information, amino acid conservation, physicochemical variation, residue mobility, and thermodynamic stability) performed at Invitae indicates that this missense variant is expected to disrupt KCNQ2 protein function. For these reasons, this variant has been classified as Pathogenic.

Cytogénomique, Hospices Civils de Lyon
Classification: Pathogenic for Seizure. Last evaluated: 2020-01-28. Review status: no assertion criteria provided. Collection method: clinical testing. Allele origin: de novo. Inheritance: Sporadic. Affected: yes. Observed: 1 variant allele, 1 heterozygote. Not counted in ClinVar's aggregate classification.

NM_172107.4(KCNQ2):c.626T>C (p.Ile209Thr)

Gene: KCNQ2 (potassium voltage-gated channel subfamily Q member 2; minus strand). Cytogenetic location: 20q13.33.
Variant type: single nucleotide variant.
Coding change: c.626T>C on transcript NM_172107.4 (MANE Select); coding-DNA position 626, T replaced by C.
Protein change: p.Ile209Thr; replaces isoleucine 209 with threonine.
Molecular consequence: missense variant.
Genome position (GRCh38, 1-based): chr20:63,444,723, A>G on the plus strand (T>C on the coding strand, the complement: KCNQ2 is on the minus strand). VCF-style: chr20-63444723-A-G. GRCh37 (hg19) VCF-style: chr20-62076076-A-G.
Other names: c.626T>C, p.Ile209Thr (NM_004518.6, NM_172106.3, NM_172108.5 and 1 more transcripts); short protein forms I209T.
Identifiers: ClinVar variation 812512 (VCV000812512.6), dbSNP rs1600785769, ClinGen allele CA409654757.